The following is an entry in ClinVar:

NM_001267550.2(TTN):c.4667C>T (p.Pro1556Leu)

Genes: TTN (titin; minus strand), LOC101927055 (uncharacterized LOC101927055; plus strand). Cytogenetic location: 2q31.2.
Variant type: single nucleotide variant.
Coding change: c.4667C>T on transcript NM_001267550.2 (MANE Select); coding-DNA position 4667, C replaced by T.
Protein change: p.Pro1556Leu; replaces proline 1556 with leucine.
Molecular consequence: missense variant. On other transcripts: non-coding transcript variant (1).
Genome position (GRCh38, 1-based): chr2:178,777,296, G>A on the plus strand (C>T on the coding strand, the complement: TTN is on the minus strand). VCF-style: chr2-178777296-G-A. GRCh37 (hg19) VCF-style: chr2-179642023-G-A.
Other names: c.4667C>T, p.Pro1556Leu (NM_001256850.1, NM_133378.4, NM_133379.5); c.4529C>T, p.Pro1510Leu (NM_003319.4, NM_133432.3, NM_133437.4); short protein forms P1510L, P1556L.
Identifiers: ClinVar variation 2438259 (VCV002438259.4), dbSNP rs569025335, ClinGen allele CA60978256.

ClinVar aggregate classification (germline): Uncertain significance. Review status: criteria provided, multiple submitters, no conflicts (2 of 4 stars). 2 submissions from 2 submitters: Uncertain significance (2). Last evaluated 2026-06-27.

Conditions:
TTN-related disorder. Also called: TTN-related condition; TTN-related disease; TTN-related disorders.

Allele frequency attached by ClinVar (database versions not stated): TOPMed 0.00001; 1000 Genomes Project 30x 0.00016; 1000 Genomes Project 0.00020.
gnomAD v4.1: 16 of 1,613,804 alleles (0.00099%); highest among the groups gnomAD compares: Admixed American, 0.0033%; no homozygotes.

Submissions (2):

PreventionGenetics, part of Exact Sciences
Classification: Uncertain significance for TTN-related condition. Last evaluated: 2026-06-27. Review status: criteria provided, single submitter. Criteria: ACMG Guidelines, 2015. Collection method: clinical testing. Allele origin: germline.
Comment: The TTN c.4667C>T variant is predicted to result in the amino acid substitution p.Pro1556Leu. To our knowledge, this variant has not been reported in the literature. This variant is reported in 0.0016% of alleles in individuals of European (Non-Finnish) descent in gnomAD. At this time, the clinical significance of this variant is uncertain due to the absence of conclusive functional and genetic evidence.

Revvity Omics, Revvity
Classification: Uncertain significance. Last evaluated: 2019-10-09. Review status: criteria provided, single submitter. Criteria: ACMG Guidelines, 2015. Collection method: clinical testing. Allele origin: germline.